The following is an entry in ClinVar:

NM_152564.5(VPS13B):c.201T>C (p.Ile67=)

Gene: VPS13B (vacuolar protein sorting 13 homolog B; plus strand). Cytogenetic location: 8q22.2.
Variant type: single nucleotide variant.
Coding change: c.201T>C on transcript NM_152564.5 (MANE Select); coding-DNA position 201, T replaced by C.
Protein change: p.Ile67=; no amino-acid change (isoleucine 67 retained).
Molecular consequence: synonymous variant. On other transcripts: non-coding transcript variant (1).
Genome position (GRCh38, 1-based): chr8:99,038,476, T>C. VCF-style: chr8-99038476-T-C. GRCh37 (hg19) VCF-style: chr8-100050704-T-C.
Other names: c.201T>C, p.Ile67= (NM_015243.3, NM_017890.5, NM_181661.3).
Identifiers: ClinVar variation 3358456 (VCV003358456.1).

ClinVar aggregate classification (germline): Likely benign (0 of 4 stars; one submission).

Conditions:
VPS13B-related disorder. Also called: VPS13B-related condition.

Submission:

PreventionGenetics, part of Exact Sciences
Classification: Likely benign for VPS13B-related condition. Last evaluated: 2022-05-26. Review status: no assertion criteria provided. Collection method: clinical testing. Allele origin: germline.
Comment: This variant is classified as likely benign based on ACMG/AMP sequence variant interpretation guidelines (Richards et al. 2015 PMID: 25741868, with internal and published modifications).